The following is an entry in ClinVar:

NM_001405607.1(PBRM1):c.592A>C (p.Asn198His)

Gene: PBRM1 (polybromo 1; minus strand). Cytogenetic location: 3p21.1.
Variant type: single nucleotide variant.
Coding change: c.592A>C on transcript NM_001405607.1 (MANE Select); coding-DNA position 592, A replaced by C.
Protein change: p.Asn198His; replaces asparagine 198 with histidine.
Molecular consequence: missense variant. On other transcripts: 5 prime UTR variant (4), non-coding transcript variant (2), intron variant (2).
Genome position (GRCh38, 1-based): chr3:52,658,252, T>G on the plus strand (A>C on the coding strand, the complement: PBRM1 is on the minus strand). VCF-style: chr3-52658252-T-G. GRCh37 (hg19) VCF-style: chr3-52692268-T-G.
Other names: c.655A>C, p.Asn219His (NM_001350074.2, NM_001350076.2, NM_001350078.2 and 12 more transcripts); c.592A>C, p.Asn198His (NM_001350075.2, NM_001394867.1, NM_001394868.1 and 94 more transcripts); c.646A>C, p.Asn216His (NM_001350077.2, NM_001366073.2, NM_001366076.2 and 4 more transcripts); c.643A>C, p.Asn215His (NM_001366074.2); c.619A>C, p.Asn207His (NM_001405564.1, NM_001405568.1, NM_001405569.1 and 4 more transcripts); c.-1391A>C (NM_001405566.1, NM_001405596.1); c.448A>C, p.Asn150His (NM_001405587.1); c.-358A>C (NM_001405608.1); and 3 more; short protein forms N216H, N150H, N207H, N219H, N204H, N198H, N215H.
Identifiers: ClinVar variation 5002689 (VCV005002689.1).

ClinVar aggregate classification (germline): Uncertain significance (1 of 4 stars; one submission).

Conditions:
Nonpapillary renal cell carcinoma. Identifiers: Orphanet 422526, MedGen CN074294, MONDO:0007763, OMIM 144700.

Submission:

OLLIN Analises Genomicas, OLLIN
Classification: Uncertain significance for Nonpapillary renal cell carcinoma. Last evaluated: 2026-08-06. Review status: criteria provided, single submitter. Criteria: ACMG Guidelines 2015 PMID 25741868. Collection method: clinical testing. Allele origin: germline.
Comment: This missense variant, located in exon 6 (of 32), is absent from gnomAD and ClinVar and has not been identified in the literature. In silico analysis predicts that this variant has a tolerated effect. According to the currently available evidence, this variant has been classified as uncertain significance (PM2_P, BP4_M).